The following is an entry in ClinVar:

ClinVar aggregate classification (germline): Benign (1 of 4 stars; one submission).

Conditions:
Sialuria. Also called: SIALURIA, FRENCH TYPE; Sialic Acid Storage Disease. Identifiers: Orphanet 3166, MedGen C0342853, MONDO:0010028, OMIM 269921.

Allele frequency attached by ClinVar (database versions not stated): gnomAD 0.00004 and 0.00007; TOPMed 0.00006; gnomAD exomes 0.00013; 1000 Genomes Project 30x 0.00031; 1000 Genomes Project 0.00040.
gnomAD v4.1: 40 of 383,756 alleles (0.01%); highest among the groups gnomAD compares: East Asian, 0.31%; 1 homozygote.

Submission:

Illumina Laboratory Services, Illumina
Classification: Benign for Sialuria. Last evaluated: 2018-01-13. Review status: criteria provided, single submitter. Criteria: ICSL Variant Classification Criteria 13 December 2019. Collection method: clinical testing. Allele origin: germline.
Comment: This variant was observed in the ICSL laboratory as part of a predisposition screen in an ostensibly healthy population. It had not been previously curated by ICSL or reported in the Human Gene Mutation Database (HGMD: prior to June 1st, 2018), and was therefore a candidate for classification through an automated scoring system. Utilizing variant allele frequency, disease prevalence and penetrance estimates, and inheritance mode, an automated score was calculated to assess if this variant is too frequent to cause the disease. Based on the score and internal cut-off values, a variant classified as benign is not then subjected to further curation. The score for this variant resulted in a classification of benign for this disease.

NM_005476.7(GNE):c.*1204T>C

Gene: GNE (glucosamine (UDP-N-acetyl)-2-epimerase/N-acetylmannosamine kinase; minus strand). Cytogenetic location: 9p13.3.
Variant type: single nucleotide variant.
Coding change: c.*1204T>C on transcript NM_005476.7 (MANE Select); 1204 bases downstream of the stop codon, T replaced by C.
Molecular consequence: 3 prime UTR variant.
Genome position (GRCh38, 1-based): chr9:36,216,161, A>G on the plus strand (T>C on the coding strand, the complement: GNE is on the minus strand). VCF-style: chr9-36216161-A-G. GRCh37 (hg19) VCF-style: chr9-36216158-A-G.
Other names: c.*1204T>C (NM_001128227.3, NM_001190383.3, NM_001190384.3 and 3 more transcripts).
Identifiers: ClinVar variation 366816 (VCV000366816.6), dbSNP rs183365416, ClinGen allele CA10633659.